The following is an entry in ClinVar:

NM_003640.5(ELP1):c.1358G>A (p.Cys453Tyr)

Gene: ELP1 (elongator acetyltransferase complex subunit 1; minus strand). Cytogenetic location: 9q31.3.
Variant type: single nucleotide variant.
Coding change: c.1358G>A on transcript NM_003640.5 (MANE Select); coding-DNA position 1358, G replaced by A.
Protein change: p.Cys453Tyr; replaces cysteine 453 with tyrosine.
Molecular consequence: missense variant.
Genome position (GRCh38, 1-based): chr9:108,911,012, C>T on the plus strand (G>A on the coding strand, the complement: ELP1 is on the minus strand). VCF-style: chr9-108911012-C-T. GRCh37 (hg19) VCF-style: chr9-111673292-C-T.
Other names: c.1016G>A, p.Cys339Tyr (NM_001318360.2); c.311G>A, p.Cys104Tyr (NM_001330749.2); short protein forms C339Y, C453Y, C104Y.
Identifiers: ClinVar variation 1948847 (VCV001948847.2), dbSNP rs752427486, ClinGen allele CA5175051.

ClinVar aggregate classification (germline): Uncertain significance (1 of 4 stars; one submission).

Allele frequency attached by ClinVar (database versions not stated): gnomAD exomes below 0.00001; ExAC 0.00001.
gnomAD v4.1: 3 of 1,613,682 alleles (0.00019%); highest among the groups gnomAD compares: Non-Finnish European, 0.00025%; no homozygotes.

Submission:

Labcorp Genetics (formerly Invitae), Labcorp
Classification: Uncertain significance. Last evaluated: 2022-08-06. Review status: criteria provided, single submitter. Criteria: Invitae Variant Classification Sherloc (09022015). Collection method: clinical testing. Allele origin: germline.
Comment: This sequence change replaces cysteine, which is neutral and slightly polar, with tyrosine, which is neutral and polar, at codon 453 of the ELP1 protein (p.Cys453Tyr). This variant is not present in population databases (gnomAD no frequency). This variant has not been reported in the literature in individuals affected with ELP1-related conditions. Algorithms developed to predict the effect of missense changes on protein structure and function output the following: SIFT: "Tolerated"; PolyPhen-2: "Benign"; Align-GVGD: "Class C0". The tyrosine amino acid residue is found in multiple mammalian species, which suggests that this missense change does not adversely affect protein function. In summary, the available evidence is currently insufficient to determine the role of this variant in disease. Therefore, it has been classified as a Variant of Uncertain Significance.